The following is an entry in ClinVar:

ClinVar aggregate classification (germline): Conflicting classifications of pathogenicity. Review status: criteria provided, conflicting classifications (1 of 4 stars). 5 submissions from 5 submitters: Pathogenic (1); Likely pathogenic (1); Uncertain significance (3). Last evaluated 2025-12-30.

Conditions:
Hereditary cancer-predisposing syndrome. Also called: Neoplastic Syndromes, Hereditary; Tumor predisposition; Hereditary Cancer Syndrome; Hereditary neoplastic syndrome. Identifiers: Orphanet 140162, MedGen C0027672, MeSH D009386, MONDO:0015356.
Facial dysmorphism-immunodeficiency-livedo-short stature syndrome. Also called: Facial dysmorphism, immunodeficiency, livedo, and short stature; FILS syndrome. Identifiers: Orphanet 352712, MedGen C3554576, MONDO:0014058, OMIM 615139.
Familial colorectal cancer. Identifiers: MedGen CN280943, MONDO:0023113. Disease mechanism: loss of function.
Intestinal polyposis syndrome. Identifiers: Orphanet 104010, MedGen C0345891, MONDO:0015185.

Allele frequency attached by ClinVar (database versions not stated): TOPMed 0.00001.

Submissions (5):

Labcorp Genetics (formerly Invitae), Labcorp
Classification: Pathogenic. Last evaluated: 2025-12-30. Review status: criteria provided, single submitter. Criteria: Invitae Variant Classification Sherloc (09022015). Collection method: clinical testing. Allele origin: germline.
Comment: This sequence change affects the initiator codon of the POLE mRNA. This change may impact translation initiation or efficiency. The next in-frame methionine is located at codon 44. This variant is present in population databases (no rsID available, gnomAD 0.008%). Disruption of the initiator codon has been observed in individual(s) with clinical features of autosomal recessive FILS syndrome (PMID: 30503519). In at least one individual the data is consistent with being in trans (on the opposite chromosome) from a pathogenic variant. It has also been observed to segregate with disease in related individuals. ClinVar contains an entry for this variant (Variation ID: 473569). For these reasons, this variant has been classified as Pathogenic.

Center for Genomic Medicine, Rigshospitalet, Copenhagen University Hospital
Classification: Likely pathogenic. Last evaluated: 2025-12-29. Review status: criteria provided, single submitter. Criteria: ACMG Guidelines, 2015. Collection method: clinical testing. Allele origin: germline.

Ambry Genetics
Classification: Uncertain significance for Hereditary cancer-predisposing syndrome. Last evaluated: 2025-03-04. Review status: criteria provided, single submitter. Criteria: Ambry Variant Classification Scheme 2023. Collection method: clinical testing. Allele origin: germline.
Comment: The p.M1? variant (also known as c.2T>A), located in coding exon 1 of the POLE gene, results from a T to A substitution at nucleotide position 2. This alters the methionine residue at the initiation codon (ATG). Another variant at this codon (c.1A>T) has been identified in conjunction with a second POLE variant (c.1686+32C>G) in individuals with features consistent with POLE deficiency; in at least one instance, the variants were identified in trans (Logan CV et al. Am J Hum Genet, 2018 Dec;103:1038-1044). In addition to the clinical data presented in the literature, sequence variations that modify the initiation codon are expected to result in either loss of translation initiation, N-terminal truncation, or cause a shift in the mRNA reading frame. Although biallelic loss of function of POLE has been associated with autosomal recessive POLE deficiency, haploinsufficiency of POLE has not been established as a mechanism of disease for POLE-related polymerase proofreading-associated polyposis (PPAP) and POLE-related CMMRD-like syndrome. Based on the supporting evidence, this variant is expected to be causative of POLE deficiency when present along with a second pathogenic variant on the other allele; however, its clinical significance for PPAP and POLE-related CMMRD-like syndrome is unclear.

Cambridge Genomics Laboratory, East Genomic Laboratory Hub, NHS Genomic Medicine Service
Classification: Uncertain significance for Intestinal polyposis syndrome. Last evaluated: 2019-11-13. Review status: criteria provided, single submitter. Criteria: ACGS Best Practice Guidelines for Variant Classification in Rare Disease 2020. Collection method: clinical testing. Allele origin: germline. Affected: yes. Observed: 1 variant allele.

GeneDx
Classification: Uncertain significance. Last evaluated: 2018-04-02. Review status: criteria provided, single submitter. Criteria: GeneDx Variant Classification (06012015). Collection method: clinical testing. Allele origin: germline. Affected: yes.
Comment: The c.2T>A variant in the POLE gene alters the initiator Methionine codon, and the resultant protein would be described as ?p.Met1?? to signify that it is not known if the loss of Met1 prevents all protein translation or if an abnormal protein is produced using an alternate Methionine codon. This variant has not, to our knowledge, been published in the literature as pathogenic or benign. POLE c.2T>A was not observed at a significant allele frequency in large population cohorts (Lek 2016). While missense variants located within the exonuclease domain of the POLE gene have been recognized as an underlying cause of Polymerase Proofreading-Associated Polyposis (PPAP), an autosomal dominant condition associated with polyposis and an increased risk for colon cancer (Palles 2013, Spier 2015), there are no data to support that loss-of-function variants, such as this one, confer the same cancer risks. We therefore consider POLE c.2T>A to be a variant of unknown significance with respect to cancer. A recessive disease associated with POLE has been reported in the literature. In one large consanguineous family, 14 affected relatives with a syndrome called FILS (facial dysmorphism, immunodeficiency, livedo, and short stature) were all found to be homozygous for POLE c.4444+3A>G, a splice variant which results in a small proportion (~10%) of normal POLE transcript (Pachlopnik Schmid 2012). In addition, an unrelated individual with a suspected chromosome instability syndrome was also found to be homozygous for POLE c.4444+3A>G (Thiffault 2015). We cannot assess whether the variant identified in the current patient would cause the same recessive disease. Individuals and family members of reproductive age may choose to consider assessment of potential reproductive risks.

Literature cited by the submitters: PubMed 30503519 (cited by Labcorp Genetics (formerly Invitae), Labcorp); PubMed 35534205 (cited by Center for Genomic Medicine, Rigshospitalet, Copenhagen University Hospital); PubMed 23263490 (cited by Center for Genomic Medicine, Rigshospitalet, Copenhagen University Hospital); PubMed 26251183 (cited by Center for Genomic Medicine, Rigshospitalet, Copenhagen University Hospital); PubMed 32792570 (cited by Center for Genomic Medicine, Rigshospitalet, Copenhagen University Hospital).

NM_006231.4(POLE):c.2T>A (p.Met1Lys)

Genes: POLE (DNA polymerase epsilon, catalytic subunit; minus strand), LOC130009266 (ATAC-STARR-seq lymphoblastoid silent region 5123; plus strand). Cytogenetic location: 12q24.33.
Variant type: single nucleotide variant.
Coding change: c.2T>A on transcript NM_006231.4 (MANE Select); coding-DNA position 2, T replaced by A.
Protein change: p.Met1Lys; changes the start codon (methionine 1).
Molecular consequence: missense variant, initiator codon variant.
Genome position (GRCh38, 1-based): chr12:132,687,314, A>T on the plus strand (T>A on the coding strand, the complement: POLE is on the minus strand). VCF-style: chr12-132687314-A-T. GRCh37 (hg19) VCF-style: chr12-133263900-A-T.
Other names: short protein forms M1K.
Identifiers: ClinVar variation 473569 (VCV000473569.19), dbSNP rs879254126, ClinGen allele CA387373585.